The following is an entry in ClinVar:

NM_014915.3(ANKRD26):c.1919T>C (p.Leu640Pro)

Gene: ANKRD26 (ankyrin repeat domain containing 26; minus strand). Cytogenetic location: 10p12.1.
Variant type: single nucleotide variant.
Coding change: c.1919T>C on transcript NM_014915.3 (MANE Select); coding-DNA position 1919, T replaced by C.
Protein change: p.Leu640Pro; replaces leucine 640 with proline.
Molecular consequence: missense variant.
Genome position (GRCh38, 1-based): chr10:27,046,419, A>G on the plus strand (T>C on the coding strand, the complement: ANKRD26 is on the minus strand). VCF-style: chr10-27046419-A-G. GRCh37 (hg19) VCF-style: chr10-27335348-A-G.
Other names: c.1916T>C, p.Leu639Pro (NM_001256053.2); short protein forms L639P, L640P.
Identifiers: ClinVar variation 3870882 (VCV003870882.1).

ClinVar aggregate classification (germline): Uncertain significance (1 of 4 stars; one submission).

Conditions:
Inborn genetic diseases. Identifiers: MedGen C0950123, MeSH D030342.

Submission:

Ambry Genetics
Classification: Uncertain significance for Inborn genetic diseases. Last evaluated: 2025-01-31. Review status: criteria provided, single submitter. Criteria: Ambry Variant Classification Scheme 2023. Collection method: clinical testing. Allele origin: germline.
Comment: The p.L640P variant (also known as c.1919T>C), located in coding exon 18 of the ANKRD26 gene, results from a T to C substitution at nucleotide position 1919. The leucine at codon 640 is replaced by proline, an amino acid with similar properties. This amino acid position is conserved. In addition, this alteration is predicted to be tolerated by in silico analysis. Based on the available evidence, the clinical significance of this variant remains unclear.